The following is an entry in ClinVar:

NM_001283009.2(RTEL1):c.301+3G>A

Genes: RTEL1 (regulator of telomere elongation helicase 1; plus strand), RTEL1-TNFRSF6B (RTEL1-TNFRSF6B readthrough (NMD candidate); plus strand). Cytogenetic location: 20q13.33.
Variant type: single nucleotide variant.
Coding change: c.301+3G>A on transcript NM_001283009.2 (MANE Select); 3 bases into the intron after coding-DNA position 301, G replaced by A.
Molecular consequence: intron variant.
Genome position (GRCh38, 1-based): chr20:63,661,499, G>A. VCF-style: chr20-63661499-G-A. GRCh37 (hg19) VCF-style: chr20-62292852-G-A.
Other names: c.-369+3G>A (NM_001283010.1); c.301+3G>A (NM_032957.5, NM_016434.4).
Identifiers: ClinVar variation 2081926 (VCV002081926.2), dbSNP rs1256279638, ClinGen allele CA636615173.

ClinVar aggregate classification (germline): Uncertain significance. Review status: criteria provided, multiple submitters, no conflicts (2 of 4 stars). 2 submissions from 2 submitters: Uncertain significance (2). Last evaluated 2024-04-17.

Conditions:
Pulmonary fibrosis and/or bone marrow failure, Telomere-related, 3. Also called: PULMONARY FIBROSIS AND/OR BONE MARROW FAILURE SYNDROME, TELOMERE-RELATED, 3. Identifiers: Orphanet 2032, MedGen C4225346, MONDO:0014613, OMIM 616373.
Dyskeratosis congenita, autosomal recessive 5 (DKCB5). Identifiers: MedGen C3554656, MONDO:0014076, OMIM 615190.

Allele frequency attached by ClinVar (database versions not stated): gnomAD exomes below 0.00001.
gnomAD v4.1: 4 of 1,608,458 alleles (0.00025%); highest among the groups gnomAD compares: Middle Eastern, 0.033%; no homozygotes.

Submissions (2):

Blueprint Genetics
Classification: Uncertain significance. Last evaluated: 2024-04-17. Review status: criteria provided, single submitter. Criteria: ACMG Guidelines, 2015. Collection method: clinical testing. Allele origin: germline.

Labcorp Genetics (formerly Invitae), Labcorp
Classification: Uncertain significance for Dyskeratosis congenita, autosomal recessive 5; Pulmonary fibrosis and/or bone marrow failure, Telomere-related, 3. Last evaluated: 2022-05-20. Review status: criteria provided, single submitter. Criteria: Invitae Variant Classification Sherloc (09022015). Collection method: clinical testing. Allele origin: germline.
Comment: This sequence change falls in intron 3 of the RTEL1 gene. It does not directly change the encoded amino acid sequence of the RTEL1 protein. It affects a nucleotide within the consensus splice site. This variant is present in population databases (no rsID available, gnomAD 0.0009%). This variant has not been reported in the literature in individuals affected with RTEL1-related conditions. Variants that disrupt the consensus splice site are a relatively common cause of aberrant splicing (PMID: 17576681, 9536098). Algorithms developed to predict the effect of sequence changes on RNA splicing suggest that this variant is not likely to affect RNA splicing. In summary, the available evidence is currently insufficient to determine the role of this variant in disease. Therefore, it has been classified as a Variant of Uncertain Significance.

Literature cited by the submitters: PubMed 17576681 (cited by Labcorp Genetics (formerly Invitae), Labcorp); PubMed 9536098 (cited by Labcorp Genetics (formerly Invitae), Labcorp).